The following is an entry in ClinVar:

NM_198578.4(LRRK2):c.3451G>A (p.Ala1151Thr)

Gene: LRRK2 (leucine rich repeat kinase 2; plus strand). Cytogenetic location: 12q12.
Variant type: single nucleotide variant.
Coding change: c.3451G>A on transcript NM_198578.4 (MANE Select); coding-DNA position 3451, G replaced by A.
Protein change: p.Ala1151Thr; replaces alanine 1151 with threonine.
Molecular consequence: missense variant.
Genome position (GRCh38, 1-based): chr12:40,299,212, G>A. VCF-style: chr12-40299212-G-A. GRCh37 (hg19) VCF-style: chr12-40693014-G-A.
Other names: short protein forms A1151T.
Identifiers: ClinVar variation 39165 (VCV000039165.11), dbSNP rs74985840, ClinGen allele CA343541.

ClinVar aggregate classification (germline): Uncertain significance. Review status: criteria provided, multiple submitters, no conflicts (2 of 4 stars). 4 submissions from 4 submitters: Uncertain significance (3). 1 of the submissions does not count toward it. Last evaluated 2025-12-29.

Conditions:
LRRK2-related disorder. Also called: LRRK2-related condition.
Autosomal dominant Parkinson disease 8. Also called: LRRK2-Related Parkinson Disease; Parkinson disease 8; Parkinson disease 8, susceptibility to. Identifiers: Orphanet 411602, MedGen C1846862, MONDO:0011764, OMIM 607060.

Allele frequency attached by ClinVar (database versions not stated): gnomAD exomes 0.00006; ExAC 0.00007; gnomAD 0.00011; TOPMed 0.00011; ESP Exome Variant Server 0.00023.
gnomAD v4.1: 100 of 1,613,422 alleles (0.0062%); highest among the groups gnomAD compares: Admixed American, 0.02%; no homozygotes.

Submissions (4):

PreventionGenetics, part of Exact Sciences
Classification: Uncertain significance for LRRK2-related condition. Last evaluated: 2025-12-29. Review status: criteria provided, single submitter. Criteria: ACMG Guidelines, 2015. Collection method: clinical testing. Allele origin: germline.
Comment: The LRRK2 c.3451G>A variant is predicted to result in the amino acid substitution p.Ala1151Thr. This variant has been reported in several individuals with Parkinson's disease (PD) (Schlitter et al. 2006. PubMed ID: 16788020; Ross et al. 2011. PubMed ID: 21885347; Anfossi et al. 2014. PubMed ID: 23963289); however, these individuals were only screened for a subset of LRRK2 variants/exons, and additional evidence supporting pathogenicity was not provided. This variant was also reported in a cohort of individuals from the Mariana Islands with neurodegenerative disorders, including PD, although patient-specific phenotype information was not provided (Steele et al. 2015. PubMed ID: 25558820). Additionally, a large case-control study observed this variant at a higher frequency in healthy controls compared to PD cases (Ross et al. 2011. PubMed ID: 21885347), and in vitro studies found that this variant retained protein function and cellular localization patterns similar to wild type (Nichols et al. 2010. PubMed ID: 20642453). This variant is reported in 0.0093% of alleles in individuals of European (non-Finnish) descent in gnomAD. Although we suspect that this variant may be benign, the clinical significance of this variant is uncertain at this time due to the absence of conclusive functional and genetic evidence.

Labcorp Genetics (formerly Invitae), Labcorp
Classification: Uncertain significance for Autosomal dominant Parkinson disease 8. Last evaluated: 2025-11-25. Review status: criteria provided, single submitter. Criteria: Invitae Variant Classification Sherloc (09022015). Collection method: clinical testing. Allele origin: germline.
Comment: This sequence change replaces alanine, which is neutral and non-polar, with threonine, which is neutral and polar, at codon 1151 of the LRRK2 protein (p.Ala1151Thr). This variant is present in population databases (rs74985840, gnomAD 0.01%). This missense change has been observed in individual(s) with Parkinson disease (PMID: 16788020, 21885347, 23963289). ClinVar contains an entry for this variant (Variation ID: 39165). An algorithm developed to predict the effect of missense changes on protein structure and function outputs the following: PolyPhen-2: "Benign". The threonine amino acid residue is found in multiple mammalian species, which suggests that this missense change does not adversely affect protein function. Experimental studies have shown that this missense change does not substantially affect LRRK2 function (PMID: 20642453). In summary, the available evidence is currently insufficient to determine the role of this variant in disease. Therefore, it has been classified as a Variant of Uncertain Significance.

Blueprint Genetics
Classification: Uncertain significance. Last evaluated: 2023-03-23. Review status: criteria provided, single submitter. Criteria: ACMG Guidelines, 2015. Collection method: clinical testing. Allele origin: germline.

GeneReviews
No classification provided. Condition: Autosomal dominant Parkinson disease 8. Review status: no classification provided. Collection method: literature only. Allele origin: unknown. Not counted in ClinVar's aggregate classification.

Literature cited by the submitters: PubMed 16788020 (cited by Labcorp Genetics (formerly Invitae), Labcorp); PubMed 21885347 (cited by Labcorp Genetics (formerly Invitae), Labcorp); PubMed 23963289 (cited by Labcorp Genetics (formerly Invitae), Labcorp); PubMed 20642453 (cited by Labcorp Genetics (formerly Invitae), Labcorp); PubMed 20301387 (cited by GeneReviews); NCBI Bookshelf NBK1208 (cited by GeneReviews).